The following is an entry in ClinVar:

NM_006946.4(SPTBN2):c.7120G>A (p.Gly2374Ser)

Gene: SPTBN2 (spectrin beta, non-erythrocytic 2; minus strand). Cytogenetic location: 11q13.2.
Variant type: single nucleotide variant.
Coding change: c.7120G>A on transcript NM_006946.4 (MANE Select); coding-DNA position 7120, G replaced by A.
Protein change: p.Gly2374Ser; replaces glycine 2374 with serine.
Molecular consequence: missense variant.
Genome position (GRCh38, 1-based): chr11:66,685,924, C>T on the plus strand (G>A on the coding strand, the complement: SPTBN2 is on the minus strand). VCF-style: chr11-66685924-C-T. GRCh37 (hg19) VCF-style: chr11-66453395-C-T.
Other names: c.7120G>A (NM_006946.2); c.7141G>A, p.Gly2381Ser (NM_001411025.1); short protein forms G2374S, G2381S.
Identifiers: ClinVar variation 2719816 (VCV002719816.5), dbSNP rs866945292, ClinGen allele CA224073687.

ClinVar aggregate classification (germline): Conflicting classifications of pathogenicity. Review status: criteria provided, conflicting classifications (1 of 4 stars). 3 submissions from 3 submitters: Likely pathogenic (1); Uncertain significance (2). Last evaluated 2025-08-23.

Conditions:
Inborn genetic diseases. Identifiers: MedGen C0950123, MeSH D030342.
Autosomal recessive spinocerebellar ataxia 14. Also called: CEREBELLAR ATAXIA, AUTOSOMAL RECESSIVE, SPECTRIN-ASSOCIATED, 1. Identifiers: Orphanet 352403, MedGen C4706415, MONDO:0014159, OMIM 615386.

Allele frequency attached by ClinVar (database versions not stated): gnomAD 0.00003; TOPMed 0.00003.
gnomAD v4.1: 14 of 1,613,838 alleles (0.00087%); highest among the groups gnomAD compares: African/African-American, 0.0067%; no homozygotes.

Submissions (3):

Centre for Medical Genetics,  Mumbai
Classification: Likely pathogenic for Autosomal recessive spinocerebellar ataxia 14. Last evaluated: 2025-08-23. Review status: criteria provided, single submitter. Criteria: ACMG Guidelines, 2015. Collection method: clinical testing. Allele origin: germline. Affected: yes. Observed: 1 homozygote.

Ambry Genetics
Classification: Uncertain significance for Inborn genetic diseases. Last evaluated: 2025-01-26. Review status: criteria provided, single submitter. Criteria: Ambry Variant Classification Scheme 2023. Collection method: clinical testing. Allele origin: germline.

Labcorp Genetics (formerly Invitae), Labcorp
Classification: Uncertain significance. Last evaluated: 2024-01-25. Review status: criteria provided, single submitter. Criteria: Invitae Variant Classification Sherloc (09022015). Collection method: clinical testing. Allele origin: germline.
Comment: This sequence change replaces glycine, which is neutral and non-polar, with serine, which is neutral and polar, at codon 2374 of the SPTBN2 protein (p.Gly2374Ser). This variant is present in population databases (no rsID available, gnomAD 0.0009%). This variant has not been reported in the literature in individuals affected with SPTBN2-related conditions. Advanced modeling of protein sequence and biophysical properties (such as structural, functional, and spatial information, amino acid conservation, physicochemical variation, residue mobility, and thermodynamic stability) performed at Invitae indicates that this missense variant is not expected to disrupt SPTBN2 protein function with a negative predictive value of 95%. In summary, the available evidence is currently insufficient to determine the role of this variant in disease. Therefore, it has been classified as a Variant of Uncertain Significance.